The following is an entry in ClinVar:

ClinVar aggregate classification (germline): Uncertain significance (1 of 4 stars; one submission).

Conditions:
Cystic fibrosis (CF). Also called: MUCOVISCIDOSIS. Identifiers: Orphanet 586, MedGen C0010674, MONDO:0009061, OMIM 219700. Disease mechanism: loss of function.

Allele frequency attached by ClinVar (database versions not stated): gnomAD exomes 0.00001.
gnomAD v4.1: 20 of 1,611,760 alleles (0.0012%); highest among the groups gnomAD compares: Non-Finnish European, 0.0017%; no homozygotes.

Submission:

Ambry Genetics
Classification: Uncertain significance for Cystic fibrosis. Last evaluated: 2023-03-20. Review status: criteria provided, single submitter. Criteria: Ambry Variant Classification Scheme 2023. Collection method: clinical testing. Allele origin: germline.
Comment: The p.W277S variant (also known as c.830G>C), located in coding exon 7 of the CFTR gene, results from a G to C substitution at nucleotide position 830. The tryptophan at codon 277 is replaced by serine, an amino acid with highly dissimilar properties. This amino acid position is highly conserved in available vertebrate species. In addition, this alteration is predicted to be deleterious by in silico analysis. Since supporting evidence is limited at this time, the clinical significance of this alteration remains unclear.

NM_000492.4(CFTR):c.830G>C (p.Trp277Ser)

Gene: CFTR (CF transmembrane conductance regulator; plus strand). Cytogenetic location: 7q31.2.
Variant type: single nucleotide variant.
Coding change: c.830G>C on transcript NM_000492.4 (MANE Select); coding-DNA position 830, G replaced by C.
Protein change: p.Trp277Ser; replaces tryptophan 277 with serine.
Molecular consequence: missense variant.
Genome position (GRCh38, 1-based): chr7:117,536,634, G>C. VCF-style: chr7-117536634-G-C. GRCh37 (hg19) VCF-style: chr7-117176688-G-C.
Other names: short protein forms W277S.
Identifiers: ClinVar variation 2447399 (VCV002447399.3), dbSNP rs672601317, ClinGen allele CA368977503.